The following is an entry in ClinVar:

NM_020433.5(JPH2):c.379+8362T>C

Gene: JPH2 (junctophilin 2; minus strand). Cytogenetic location: 20q13.12.
Variant type: single nucleotide variant.
Coding change: c.379+8362T>C on transcript NM_020433.5 (MANE Select); 8362 bases into the intron after coding-DNA position 379, T replaced by C.
Molecular consequence: intron variant. On other transcripts: synonymous variant (1).
Genome position (GRCh38, 1-based): chr20:44,177,965, A>G on the plus strand (T>C on the coding strand, the complement: JPH2 is on the minus strand). VCF-style: chr20-44177965-A-G. GRCh37 (hg19) VCF-style: chr20-42806605-A-G.
Other names: c.387T>C, p.Cys129= (NM_175913.4).
Identifiers: ClinVar variation 3032340 (VCV003032340.3), dbSNP rs201154981, ClinGen allele CA9868863.
Genomic context (GRCh38, chr20:44,177,965, plus strand): 5'-GATGCTCAGTGCTTCATTGTCTTGTTTCATTGTCTCGACCATATTCTGAGGGCGATTTTA[A>G]CACATCCCTAAAGGAAAAAAGGAAACAGAAGCTCAGGGAGGTTACATGGTGCACCCAGGT-3'

ClinVar aggregate classification (germline): Likely benign. Review status: criteria provided, single submitter (1 of 4 stars). 2 submissions from 2 submitters: Likely benign (1). 1 of the submissions does not count toward it. Last evaluated 2024-06-14.

Conditions:
JPH2-related disorder. Also called: JPH2-related condition.

Allele frequency attached by ClinVar (database versions not stated): gnomAD 0.00006; gnomAD exomes 0.00009; TOPMed 0.00009; ExAC 0.00018; 1000 Genomes Project 0.00100; 1000 Genomes Project 30x 0.00141.
gnomAD v4.1: 91 of 1,133,786 alleles (0.008%); highest among the groups gnomAD compares: East Asian, 0.2%; no homozygotes.

Submissions (2):

Blueprint Genetics
Classification: Likely benign. Last evaluated: 2024-06-14. Review status: criteria provided, single submitter. Criteria: ACMG Guidelines, 2015. Collection method: clinical testing. Allele origin: germline.

PreventionGenetics, part of Exact Sciences
Classification: Likely benign for JPH2-related condition. Last evaluated: 2022-02-23. Review status: no assertion criteria provided. Collection method: clinical testing. Allele origin: germline. Not counted in ClinVar's aggregate classification.
Comment: This variant is classified as likely benign based on ACMG/AMP sequence variant interpretation guidelines (Richards et al. 2015 PMID: 25741868, with internal and published modifications).